The following is an entry in ClinVar:

ClinVar aggregate classification (germline): Uncertain significance. Review status: criteria provided, multiple submitters, no conflicts (2 of 4 stars). 2 submissions from 2 submitters: Uncertain significance (2). Last evaluated 2025-10-05.

Conditions:
Arrhythmogenic right ventricular dysplasia 10. Also called: Arrhythmogenic Right Ventricular Dysplasia/Cardiomyopathy10; ARRHYTHMOGENIC RIGHT VENTRICULAR DYSPLASIA, FAMILIAL, 10; Arrhythmogenic right ventricular dysplasia/cardiomyopathy, type 10. Identifiers: MedGen C1857777, MONDO:0012434, OMIM 610193.
Cardiovascular phenotype. Identifiers: MedGen CN230736.

gnomAD v4.1: 5 of 1,614,084 alleles (0.00031%); highest among the groups gnomAD compares: Non-Finnish European, 0.00042%; no homozygotes.

Submissions (2):

Ambry Genetics
Classification: Uncertain significance for Cardiovascular phenotype. Last evaluated: 2025-10-05. Review status: criteria provided, single submitter. Criteria: Ambry Variant Classification Scheme 2023. Collection method: clinical testing. Allele origin: germline.
Comment: The p.I492V variant (also known as c.1474A>G), located in coding exon 11 of the DSG2 gene, results from an A to G substitution at nucleotide position 1474. The isoleucine at codon 492 is replaced by valine, an amino acid with highly similar properties. This amino acid position is conserved. In addition, this alteration is predicted to be tolerated by in silico analysis. Based on the available evidence, the clinical significance of this variant remains unclear.

Labcorp Genetics (formerly Invitae), Labcorp
Classification: Uncertain significance for Arrhythmogenic right ventricular dysplasia 10. Last evaluated: 2025-09-03. Review status: criteria provided, single submitter. Criteria: Invitae Variant Classification Sherloc (09022015). Collection method: clinical testing. Allele origin: germline.
Comment: This sequence change replaces isoleucine, which is neutral and non-polar, with valine, which is neutral and non-polar, at codon 492 of the DSG2 protein (p.Ile492Val). This variant is present in population databases (no rsID available, gnomAD 0.003%). This variant has not been reported in the literature in individuals affected with DSG2-related conditions. ClinVar contains an entry for this variant (Variation ID: 3671630). Invitae Evidence Modeling of protein sequence and biophysical properties (such as structural, functional, and spatial information, amino acid conservation, physicochemical variation, residue mobility, and thermodynamic stability) indicates that this missense variant is not expected to disrupt DSG2 protein function with a negative predictive value of 95%. In summary, the available evidence is currently insufficient to determine the role of this variant in disease. Therefore, it has been classified as a Variant of Uncertain Significance.

NM_001943.5(DSG2):c.1474A>G (p.Ile492Val)

Gene: DSG2 (desmoglein 2; plus strand). Cytogenetic location: 18q12.1.
Variant type: single nucleotide variant.
Coding change: c.1474A>G on transcript NM_001943.5 (MANE Select); coding-DNA position 1474, A replaced by G.
Protein change: p.Ile492Val; replaces isoleucine 492 with valine.
Molecular consequence: missense variant.
Genome position (GRCh38, 1-based): chr18:31,536,252, A>G. VCF-style: chr18-31536252-A-G. GRCh37 (hg19) VCF-style: chr18-29116215-A-G.
Other names: short protein forms I492V.
Identifiers: ClinVar variation 3671630 (VCV003671630.3).